The following is an entry in ClinVar:

ClinVar aggregate classification (germline): Likely pathogenic. Review status: criteria provided, multiple submitters, no conflicts (2 of 4 stars). 2 submissions from 2 submitters: Likely pathogenic (2). Last evaluated 2025-11-28.

Conditions:
Tumoral calcinosis, hyperphosphatemic, familial, 1. Also called: CALCINOSIS, TUMORAL, WITH HYPERPHOSPHATEMIA; LIPOCALCINOGRANULOMATOSIS; MORBUS TEUTSCHLAENDER; TEUTSCHLAENDER DISEASE, FAMILIAL; TUMORAL CALCINOSIS, PRIMARY HYPERPHOSPHATEMIC; HYPEROSTOSIS WITH HYPERPHOSPHATEMIA. Identifiers: Orphanet 53715, MedGen C4692564, MONDO:0100252, OMIM 211900.

Allele frequency attached by ClinVar (database versions not stated): gnomAD 0.00001; gnomAD exomes 0.00001; ExAC 0.00002.
gnomAD v4.1: 11 of 1,609,340 alleles (0.00068%); highest among the groups gnomAD compares: South Asian, 0.012%; no homozygotes.

Submissions (2):

MOLECULAR BIOLOGY AND HUMAN GENETICS DIVISION, THE UNIVERSITY OF BURDWAN
Classification: Likely pathogenic for Tumoral calcinosis, hyperphosphatemic, familial, 1. Last evaluated: 2025-11-28. Review status: criteria provided, single submitter. Criteria: ACMG Guidelines, 2015. Collection method: research. Allele origin: germline. Affected: yes. Observed: 1 variant allele.
Comment: In Silico analysis such as SIFT, PolyPhen, Mutation Taster, CADD phred score, Amino acid conservation study, and protein stability, all show the loss of function effect thus this varinat can be classified as Likely Pathogenic.

Labcorp Genetics (formerly Invitae), Labcorp
Classification: Likely pathogenic. Last evaluated: 2024-02-02. Review status: criteria provided, single submitter. Criteria: Invitae Variant Classification Sherloc (09022015). Collection method: clinical testing. Allele origin: germline.
Comment: This sequence change replaces leucine, which is neutral and non-polar, with arginine, which is basic and polar, at codon 366 of the GALNT3 protein (p.Leu366Arg). This variant is present in population databases (rs780440401, gnomAD 0.02%). This missense change has been observed in individual(s) with tumoral calcinosis (PMID: 19830424). In at least one individual the data is consistent with being in trans (on the opposite chromosome) from a pathogenic variant. It has also been observed to segregate with disease in related individuals. Advanced modeling of protein sequence and biophysical properties (such as structural, functional, and spatial information, amino acid conservation, physicochemical variation, residue mobility, and thermodynamic stability) performed at Invitae indicates that this missense variant is expected to disrupt GALNT3 protein function with a positive predictive value of 80%. In summary, the currently available evidence indicates that the variant is pathogenic, but additional data are needed to prove that conclusively. Therefore, this variant has been classified as Likely Pathogenic.

Literature cited by the submitters: PubMed 19830424 (cited by MOLECULAR BIOLOGY AND HUMAN GENETICS DIVISION, THE UNIVERSITY OF BURDWAN and Labcorp Genetics (formerly Invitae), Labcorp).

NM_004482.4(GALNT3):c.1097T>G (p.Leu366Arg)

Gene: GALNT3 (polypeptide N-acetylgalactosaminyltransferase 3; minus strand). Cytogenetic location: 2q24.3.
Variant type: single nucleotide variant.
Coding change: c.1097T>G on transcript NM_004482.4 (MANE Select); coding-DNA position 1097, T replaced by G.
Protein change: p.Leu366Arg; replaces leucine 366 with arginine.
Molecular consequence: missense variant.
Genome position (GRCh38, 1-based): chr2:165,758,841, A>C on the plus strand (T>G on the coding strand, the complement: GALNT3 is on the minus strand). VCF-style: chr2-165758841-A-C. GRCh37 (hg19) VCF-style: chr2-166615351-A-C.
Other names: short protein forms L366R.
Identifiers: ClinVar variation 2859309 (VCV002859309.5), dbSNP rs780440401, ClinGen allele CA1941017.
Genomic context (GRCh38, chr2:165,758,841, plus strand): 5'-ATTTCCATTTCTTCATCATAGCTTCCAATATACTCAAAATATTCTTTTGATATGGAAAAA[A>C]GTCCTCCTGCAAAAGTGGGTGTTCTGAAAAATAATCCATTGTCAAATTTTGTTATAAAAA-3'
Protein context (NP_004473.2, residues 356-376): PIKTPTFAGG[Leu366Arg]FSISKEYFEY